The following is an entry in ClinVar:

NM_007363.5(NONO):c.1029-8C>T

Gene: NONO (non-POU domain containing octamer binding; plus strand). Cytogenetic location: Xq13.1.
Variant type: single nucleotide variant.
Coding change: c.1029-8C>T on transcript NM_007363.5 (MANE Select); 8 bases into the intron before coding-DNA position 1029, C replaced by T.
Molecular consequence: intron variant.
Genome position (GRCh38, 1-based): chrX:71,297,828, C>T. VCF-style: chrX-71297828-C-T. GRCh37 (hg19) VCF-style: chrX-70517678-C-T.
Other names: c.1029-8C>T (NM_001145408.1, NM_001145408.2, NM_001145409.2); c.762-8C>T (NM_001145410.2).
Identifiers: ClinVar variation 2891328 (VCV002891328.4), dbSNP rs200252659, ClinGen allele CA10446152.
Genomic context (GRCh38, chrX:71,297,828, plus strand): 5'-GAGTCTCCTGTTAATCTGCTCAAGTTCTGAAATGCCTCTGTCTTAAATACATTGGTGACT[C>T]TCTGTAGGCAGGAGGAAGAGCGCAGGCGCCGTGAAGAAGAGATGCGGCGGCAGCAAGAAG-3'

ClinVar aggregate classification (germline): Benign. Review status: criteria provided, single submitter (1 of 4 stars). 2 submissions from 2 submitters: Benign (1). 1 of the submissions does not count toward it. Last evaluated 2024-08-18.

Conditions:
NONO-related disorder. Also called: NONO-related condition.

Allele frequency attached by ClinVar (database versions not stated): gnomAD exomes 0.00004; ExAC 0.00024; TOPMed 0.00040; 1000 Genomes Project 30x 0.00042; gnomAD 0.00046; 1000 Genomes Project 0.00053; ESP Exome Variant Server 0.00057.
gnomAD v4.1: 98 of 1,191,838 alleles (0.0082%); highest among the groups gnomAD compares: African/African-American, 0.16%; 1 homozygote.

Submissions (2):

Labcorp Genetics (formerly Invitae), Labcorp
Classification: Benign. Last evaluated: 2024-08-18. Review status: criteria provided, single submitter. Criteria: Invitae Variant Classification Sherloc (09022015). Collection method: clinical testing. Allele origin: germline.

PreventionGenetics, part of Exact Sciences
Classification: Likely benign for NONO-related condition. Last evaluated: 2024-05-05. Review status: no assertion criteria provided. Collection method: clinical testing. Allele origin: germline. Not counted in ClinVar's aggregate classification.
Comment: This variant is classified as likely benign based on ACMG/AMP sequence variant interpretation guidelines (Richards et al. 2015 PMID: 25741868, with internal and published modifications).